The following is an entry in ClinVar:

NM_001039591.3(USP9X):c.3737T>C (p.Ile1246Thr)

Gene: USP9X (ubiquitin specific peptidase 9 X-linked; plus strand). Cytogenetic location: Xp11.4.
Variant type: single nucleotide variant.
Coding change: c.3737T>C on transcript NM_001039591.3 (MANE Select); coding-DNA position 3737, T replaced by C.
Protein change: p.Ile1246Thr; replaces isoleucine 1246 with threonine.
Molecular consequence: missense variant.
Genome position (GRCh38, 1-based): chrX:41,188,044, T>C. VCF-style: chrX-41188044-T-C. GRCh37 (hg19) VCF-style: chrX-41047297-T-C.
Other names: c.3737T>C, p.Ile1246Thr (NM_001039590.3); c.3752T>C, p.Ile1251Thr (NM_001410748.1, NM_001410749.1); short protein forms I1246T, I1251T.
Identifiers: ClinVar variation 3600695 (VCV003600695.1).

ClinVar aggregate classification (germline): Uncertain significance (1 of 4 stars; one submission).

Submission:

GeneDx
Classification: Uncertain significance. Last evaluated: 2024-07-22. Review status: criteria provided, single submitter. Criteria: GeneDx Variant Classification Process June 2021. Collection method: clinical testing. Allele origin: germline. Affected: yes.
Comment: Not observed at significant frequency in large population cohorts (gnomAD); In silico analysis indicates that this missense variant does not alter protein structure/function; Has not been previously published as pathogenic or benign to our knowledge